The following is an entry in ClinVar:

NM_000245.4(MET):c.1392+3A>C

Gene: MET (MET proto-oncogene, receptor tyrosine kinase; plus strand). Cytogenetic location: 7q31.2.
Variant type: single nucleotide variant.
Coding change: c.1392+3A>C on transcript NM_000245.4 (MANE Select); 3 bases into the intron after coding-DNA position 1392, A replaced by C.
Molecular consequence: intron variant.
Genome position (GRCh38, 1-based): chr7:116,731,862, A>C. VCF-style: chr7-116731862-A-C. GRCh37 (hg19) VCF-style: chr7-116371916-A-C.
Other names: c.1392+3A>C (NM_001127500.3, NM_001324401.3); c.102+3A>C (NM_001324402.2).
Identifiers: ClinVar variation 2821817 (VCV002821817.3), dbSNP rs2116784571, ClinGen allele CA2739279776.

ClinVar aggregate classification (germline): Uncertain significance (1 of 4 stars; one submission).

Conditions:
Renal cell carcinoma. Identifiers: Orphanet 217071, MedGen C0007134, MeSH D002292, MONDO:0005086, HP:0005584.

Submission:

Labcorp Genetics (formerly Invitae), Labcorp
Classification: Uncertain significance for Renal cell carcinoma. Last evaluated: 2022-12-17. Review status: criteria provided, single submitter. Criteria: Invitae Variant Classification Sherloc (09022015). Collection method: clinical testing. Allele origin: germline.
Comment: In summary, the available evidence is currently insufficient to determine the role of this variant in disease. Therefore, it has been classified as a Variant of Uncertain Significance. Variants that disrupt the consensus splice site are a relatively common cause of aberrant splicing (PMID: 17576681, 9536098). Algorithms developed to predict the effect of sequence changes on RNA splicing suggest that this variant is not likely to affect RNA splicing. This variant has not been reported in the literature in individuals affected with MET-related conditions. This variant is not present in population databases (gnomAD no frequency). This sequence change falls in intron 3 of the MET gene. It does not directly change the encoded amino acid sequence of the MET protein. It affects a nucleotide within the consensus splice site.

Literature cited by the submitters: PubMed 17576681; PubMed 9536098.